The following is an entry in ClinVar:

ClinVar aggregate classification (germline): Uncertain significance (1 of 4 stars; one submission).

Conditions:
Intellectual developmental disorder with or without epilepsy or cerebellar ataxia. Identifiers: MedGen C4748041, MONDO:0060745, OMIM 618060.

Submission:

3billion
Classification: Uncertain significance for Intellectual developmental disorder with or without epilepsy or cerebellar ataxia. Last evaluated: 2025-06-19. Review status: criteria provided, single submitter. Criteria: ACMG Guidelines, 2015. Collection method: clinical testing. Allele origin: germline. Affected: yes.
Comment: The variant is not observed in the gnomAD v4.1.0 dataset. Predicted Consequence/Location: Intron variant In silico tools predict the variant to alter splicing and produce an abnormal transcript [SpliceAI: 0.22 (>=0.2, moderate evidence for spliceogenicity)]. Therefore, this variant is classified as VUS according to the recommendation of ACMG/AMP guideline.

NM_134261.3(RORA):c.167-254746C>G

Gene: RORA (RAR related orphan receptor A; minus strand). Cytogenetic location: 15q22.2.
Variant type: single nucleotide variant.
Coding change: c.167-254746C>G on transcript NM_134261.3 (MANE Select); 254746 bases into the intron before coding-DNA position 167, C replaced by G.
Molecular consequence: intron variant.
Genome position (GRCh38, 1-based): chr15:60,933,432, G>C on the plus strand (C>G on the coding strand, the complement: RORA is on the minus strand). VCF-style: chr15-60933432-G-C. GRCh37 (hg19) VCF-style: chr15-61225631-G-C.
Identifiers: ClinVar variation 4855106 (VCV004855106.1).
Genomic context (GRCh38, chr15:60,933,432, plus strand): 5'-TGCCCTTGCAGTGCCCTTTTCTTGAGATGCCCTCTCCTTGCCTCTGGAAATTTTGCCTAC[G>C]CTTCCAGGCTCAGATCAAATGCGACCTCCTCCTCCAAGCAGCTTCCGCAGCTCTTCTCTT-3'